The following is an entry in ClinVar:

ClinVar aggregate classification (germline): Uncertain significance (1 of 4 stars; one submission).

Conditions:
Encephalopathy, acute, infection-induced (herpes-specific), susceptibility to, 6. Also called: Herpes simplex encephalitis, susceptibility to, 4. Identifiers: Orphanet 1930, MedGen C3553869, MONDO:0013921, OMIM 614850.

Allele frequency attached by ClinVar (database versions not stated): gnomAD exomes 0.00001; gnomAD 0.00001.

Submission:

Labcorp Genetics (formerly Invitae), Labcorp
Classification: Uncertain significance for Encephalopathy, acute, infection-induced (herpes-specific), susceptibility to, 6. Last evaluated: 2022-02-03. Review status: criteria provided, single submitter. Criteria: Invitae Variant Classification Sherloc (09022015). Collection method: clinical testing. Allele origin: germline.
Comment: In summary, the available evidence is currently insufficient to determine the role of this variant in disease. Therefore, it has been classified as a Variant of Uncertain Significance. Algorithms developed to predict the effect of missense changes on protein structure and function output the following: SIFT: "Tolerated"; PolyPhen-2: "Benign"; Align-GVGD: "Class C0". The threonine amino acid residue is found in multiple mammalian species, which suggests that this missense change does not adversely affect protein function. ClinVar contains an entry for this variant (Variation ID: 950290). This variant has not been reported in the literature in individuals affected with TICAM1-related conditions. This variant is not present in population databases (gnomAD no frequency). This sequence change replaces alanine, which is neutral and non-polar, with threonine, which is neutral and polar, at codon 149 of the TICAM1 protein (p.Ala149Thr).

NM_182919.4(TICAM1):c.445G>A (p.Ala149Thr)

Gene: TICAM1 (TIR domain containing adaptor molecule 1; minus strand). Cytogenetic location: 19p13.3.
Variant type: single nucleotide variant.
Coding change: c.445G>A on transcript NM_182919.4 (MANE Select); coding-DNA position 445, G replaced by A.
Protein change: p.Ala149Thr; replaces alanine 149 with threonine.
Molecular consequence: missense variant.
Genome position (GRCh38, 1-based): chr19:4,817,933, C>T on the plus strand (G>A on the coding strand, the complement: TICAM1 is on the minus strand). VCF-style: chr19-4817933-C-T. GRCh37 (hg19) VCF-style: chr19-4817945-C-T.
Other names: short protein forms A149T.
Identifiers: ClinVar variation 950290 (VCV000950290.10), dbSNP rs2093590230, ClinGen allele CA403492642.